The following is an entry in ClinVar:

NM_017849.4(TMEM127):c.665C>T (p.Ala222Val)

Gene: TMEM127 (transmembrane protein 127; minus strand). Cytogenetic location: 2q11.2.
Variant type: single nucleotide variant.
Coding change: c.665C>T on transcript NM_017849.4 (MANE Select); coding-DNA position 665, C replaced by T.
Protein change: p.Ala222Val; replaces alanine 222 with valine.
Molecular consequence: missense variant.
Genome position (GRCh38, 1-based): chr2:96,253,860, G>A on the plus strand (C>T on the coding strand, the complement: TMEM127 is on the minus strand). VCF-style: chr2-96253860-G-A. GRCh37 (hg19) VCF-style: chr2-96919598-G-A.
Other names: c.665C>T, p.Ala222Val (NM_001193304.3); short protein forms A222V.
Identifiers: ClinVar variation 405200 (VCV000405200.21), dbSNP rs373951977, ClinGen allele CA1777260.

ClinVar aggregate classification (germline): Conflicting classifications of pathogenicity. Review status: criteria provided, conflicting classifications (1 of 4 stars). 11 submissions from 11 submitters: Uncertain significance (9); Likely benign (2). Last evaluated 2026-08-01.

Conditions:
Hereditary pheochromocytoma and paraganglioma. Also called: Hereditary Paraganglioma-Pheochromocytoma Syndromes; Hereditary paragangliomas and pheochromocytomas; Hereditary pheochromocytoma-paraganglioma. Identifiers: Orphanet 29072, MedGen C4274332, MONDO:0017366.
Pheochromocytoma. Also called: MAX-Related Hereditary Paraganglioma-Pheochromocytoma Syndrome. Identifiers: Orphanet 29072, MedGen C0031511, MONDO:0008233, OMIM 171300, HP:0002666.
Hereditary cancer-predisposing syndrome. Also called: Hereditary Cancer Syndrome; Hereditary neoplastic syndrome; Neoplastic Syndromes, Hereditary; Tumor predisposition. Identifiers: Orphanet 140162, MedGen C0027672, MeSH D009386, MONDO:0015356.
TMEM127-related disorder. Also called: TMEM127-related condition.

Allele frequency attached by ClinVar (database versions not stated): gnomAD 0.00011 and 0.00012; 1000 Genomes Project 0.00020; gnomAD exomes 0.00010; TOPMed 0.00012; ESP Exome Variant Server 0.00015; ExAC 0.00017; 1000 Genomes Project 30x 0.00016.
gnomAD v4.1: 121 of 1,613,986 alleles (0.0075%); highest among the groups gnomAD compares: Middle Eastern, 0.033%; no homozygotes.

Submissions (11):

CeGaT Center for Human Genetics Tuebingen
Classification: Uncertain significance. Last evaluated: 2026-08-01. Review status: criteria provided, single submitter. Criteria: CeGaT Center For Human Genetics Tuebingen Variant Classification Criteria Version 2. Collection method: clinical testing. Allele origin: germline. Affected: yes. Observed: 1 variant allele.
Comment: TMEM127: PS4:Moderate, PM2:Supporting

Myriad Genetics, Inc.
Classification: Likely benign for Hereditary pheochromocytoma and paraganglioma. Last evaluated: 2026-07-29. Review status: criteria provided, single submitter. Criteria: Myriad Autosomal Dominant, Autosomal Recessive and X-Linked Classification Criteria (2023). Collection method: clinical testing. Allele origin: unknown.
Comment: This variant is considered likely benign. This variant has been observed at a population frequency that is significantly greater than expected given the associated disease prevalence and penetrance.

PreventionGenetics, part of Exact Sciences
Classification: Uncertain significance for TMEM127-related condition. Last evaluated: 2026-04-03. Review status: criteria provided, single submitter. Criteria: ACMG Guidelines, 2015. Collection method: clinical testing. Allele origin: germline.
Comment: The TMEM127 c.665C>T variant is predicted to result in the amino acid substitution p.Ala222Val. This variant was reported in individuals with phaeochromocytomas and/or paragangliomas (Welander et al. 2014. PubMed ID: 24694336; Jensson et al. 2023. PubMed ID: 37937776). This variant is reported in 0.015% of alleles in individuals of European (Non-Finnish) descent in gnomAD and has conflicting interpretations in ClinVar ranging from likely benign to uncertain (Variation ID: 405200). Functional studies suggest this variant does not disrupt TMEM127 protein function (Flores et al. 2020. PubMed ID: 32575117). Although we suspect that this variant may be benign, at this time, the clinical significance of this variant is uncertain due to the absence of conclusive functional and genetic evidence.

Labcorp Genetics (formerly Invitae), Labcorp
Classification: Uncertain significance for Hereditary pheochromocytoma and paraganglioma. Last evaluated: 2026-01-20. Review status: criteria provided, single submitter. Criteria: Invitae Variant Classification Sherloc (09022015). Collection method: clinical testing. Allele origin: germline.
Comment: This sequence change replaces alanine, which is neutral and non-polar, with valine, which is neutral and non-polar, at codon 222 of the TMEM127 protein (p.Ala222Val). This variant is present in population databases (rs373951977, gnomAD 0.02%). This missense change has been observed in individual(s) with pheochromocytoma (PMID: 24694336). ClinVar contains an entry for this variant (Variation ID: 405200). An algorithm developed to predict the effect of missense changes on protein structure and function (PolyPhen-2) suggests that this variant is likely to be tolerated. Experimental studies have shown that this missense change does not substantially affect TMEM127 function (PMID: 32575117). In summary, the available evidence is currently insufficient to determine the role of this variant in disease. Therefore, it has been classified as a Variant of Uncertain Significance.

GeneDx
Classification: Uncertain significance. Last evaluated: 2025-06-27. Review status: criteria provided, single submitter. Criteria: GeneDx Variant Classification Process June 2021. Collection method: clinical testing. Allele origin: germline.
Comment: In silico analysis suggests that this missense variant does not alter protein structure/function; Observed in a patient with pheochromocytoma (PMID: 24694336); Published functional studies demonstrate subcellular localization and protein expression similar to wild-type (PMID: 32575117); This variant is associated with the following publications: (PMID: 34426522, 24694336, 32575117, 33051659, 29909963, 37937776)

Center for Genomic Medicine, Rigshospitalet, Copenhagen University Hospital
Classification: Uncertain significance. Last evaluated: 2025-03-04. Review status: criteria provided, single submitter. Criteria: ACMG Guidelines, 2015. Collection method: clinical testing. Allele origin: germline.

Department of Pathology and Laboratory Medicine, Sinai Health System
Classification: Uncertain significance for Pheochromocytoma. Last evaluated: 2024-09-17. Review status: criteria provided, single submitter. Criteria: ACMG Guidelines, 2015. Collection method: clinical testing. Allele origin: germline.

St. Jude Molecular Pathology, St. Jude Children's Research Hospital
Classification: Uncertain significance for Pheochromocytoma. Last evaluated: 2024-03-02. Review status: criteria provided, single submitter. Criteria: St. Jude Assertion Criteria 2020. Collection method: clinical testing. Allele origin: germline.
Comment: The TMEM127 c.665C>T (p.Ala222Val) missense change has a maximum subpopulation frequency of 0.015% in gnomAD v2.1.1. The in silico tool REVEL predicts a deleterious effect on protein function, but to our knowledge this prediction has not been confirmed by functional studies. This variant has been reported in an individual with pheochromocytoma (PMIDs: 28384794: 24694336). In summary, the evidence currently available is insufficient to determine the clinical significance of this variant. It has therefore been classified as of uncertain significance.

Baylor Genetics
Classification: Uncertain significance for Pheochromocytoma. Last evaluated: 2023-09-29. Review status: criteria provided, single submitter. Criteria: ACMG Guidelines, 2015. Collection method: clinical testing. Allele origin: unknown.

Sema4
Classification: Uncertain significance for Hereditary cancer-predisposing syndrome. Last evaluated: 2021-10-22. Review status: criteria provided, single submitter. Criteria: Sema4 Curation Guidelines. Collection method: curation. Allele origin: germline.
Comment: The TMEM127 c.665C>T (p.A222V) variant has been reported in at least one individual with pheochromocytoma (PMID: 24694336). This variant was observed in 20/129076 chromosomes in the Non-Finnish European subpopulation, with no homozygotes, according to the Genome Aggregation Database (PMID: 32461654). The variant has been reported in ClinVar (Variation ID 405200). In silico tools suggest the impact of the variant on protein function is deleterious, though a functional study demonstrated similar to normal function of the protein (PMID: 32575117). The evidence is insufficient to meet ACMG/AMP criteria for classifying the variant as benign or pathogenic. Thus, the clinical significance of this variant is currently uncertain.

Ambry Genetics
Classification: Likely benign for Hereditary cancer-predisposing syndrome. Last evaluated: 2020-05-18. Review status: criteria provided, single submitter. Criteria: Ambry Variant Classification Scheme 2023. Collection method: clinical testing. Allele origin: germline.

Literature cited by the submitters: PubMed 24694336 (cited by 4 submitters); PubMed 32575117 (cited by 3 submitters); PubMed 29909963 (cited by Department of Pathology and Laboratory Medicine, Sinai Health System and Ambry Genetics).